The following is an entry in ClinVar:

NM_001355436.2(SPTB):c.2666G>A (p.Arg889Lys)

Gene: SPTB (spectrin beta, erythrocytic; minus strand). Cytogenetic location: 14q23.3.
Variant type: single nucleotide variant.
Coding change: c.2666G>A on transcript NM_001355436.2 (MANE Select); coding-DNA position 2666, G replaced by A.
Protein change: p.Arg889Lys; replaces arginine 889 with lysine.
Molecular consequence: missense variant.
Genome position (GRCh38, 1-based): chr14:64,792,997, C>T on the plus strand (G>A on the coding strand, the complement: SPTB is on the minus strand). VCF-style: chr14-64792997-C-T. GRCh37 (hg19) VCF-style: chr14-65259715-C-T.
Other names: c.2666G>A, p.Arg889Lys (NM_001024858.4, NM_001355437.2); short protein forms R889K.
Identifiers: ClinVar variation 4724637 (VCV004724637.1).
Genomic context (GRCh38, chr14:64,792,997, plus strand): 5'-TGGGAGATGGTGCCCAGGCCTGGGTACAGGGACGTGAGGAAAAGATGAGTTAACTCTGAC[C>T]TGTGCTGCACGACCTCCAGGTCCTCCAGGGTGTCTGGCATTTCCATCTCGGCCAGCCACT-3'
Protein context (NP_001342365.1, residues 879-899): TLEDLEVVQH[Arg889Lys]FDILDQEMKT

ClinVar aggregate classification (germline): Uncertain significance (1 of 4 stars; one submission).

gnomAD v4.1: 1 of 1,613,920 alleles (0.000062%); highest among the groups gnomAD compares: South Asian, 0.0011%; no homozygotes.

Submission:

Labcorp Genetics (formerly Invitae), Labcorp
Classification: Uncertain significance. Last evaluated: 2025-08-02. Review status: criteria provided, single submitter. Criteria: Invitae Variant Classification Sherloc (09022015). Collection method: clinical testing. Allele origin: germline.
Comment: This sequence change replaces arginine, which is basic and polar, with lysine, which is basic and polar, at codon 889 of the SPTB protein (p.Arg889Lys). This variant also falls at the last nucleotide of exon 13, which is part of the consensus splice site for this exon. This variant is present in population databases (rs758566525, gnomAD 0.003%). This variant has not been reported in the literature in individuals affected with SPTB-related conditions. An algorithm developed to predict the effect of missense changes on protein structure and function (PolyPhen-2) suggests that this variant is likely to be disruptive. Variants that disrupt the consensus splice site are a relatively common cause of aberrant splicing (PMID: 17576681, 9536098). Algorithms developed to predict the effect of sequence changes on RNA splicing suggest that this variant may disrupt the consensus splice site. In summary, the available evidence is currently insufficient to determine the role of this variant in disease. Therefore, it has been classified as a Variant of Uncertain Significance.

Literature cited by the submitters: PubMed 17576681; PubMed 9536098.